The following is an entry in ClinVar:

NM_052840.5(CELF6):c.1006A>C (p.Asn336His)

Gene: CELF6 (CUGBP Elav-like family member 6; minus strand). Cytogenetic location: 15q23.
Variant type: single nucleotide variant.
Coding change: c.1006A>C on transcript NM_052840.5 (MANE Select); coding-DNA position 1006, A replaced by C.
Protein change: p.Asn336His; replaces asparagine 336 with histidine.
Molecular consequence: missense variant.
Genome position (GRCh38, 1-based): chr15:72,289,162, T>G on the plus strand (A>C on the coding strand, the complement: CELF6 is on the minus strand). VCF-style: chr15-72289162-T-G. GRCh37 (hg19) VCF-style: chr15-72581503-T-G.
Other names: c.1006A>C, p.Asn336His (NM_001172684.2); c.658A>C, p.Asn220His (NM_001172685.2); short protein forms N336H, N220H.
Identifiers: ClinVar variation 791641 (VCV000791641.5), dbSNP rs138555565, ClinGen allele CA7644432.

ClinVar aggregate classification (germline): Likely benign. Review status: criteria provided, single submitter (1 of 4 stars). 2 submissions from 2 submitters: Likely benign (1). 1 of the submissions does not count toward it. Last evaluated 2018-06-23.

Conditions:
CELF6-related disorder. Also called: CELF6-related condition.

Allele frequency attached by ClinVar (database versions not stated): gnomAD exomes 0.00148 and 0.00198; ESP Exome Variant Server 0.00154; 1000 Genomes Project 0.00160; gnomAD 0.00167 and 0.00168; TOPMed 0.00173; 1000 Genomes Project 30x 0.00187; ExAC 0.00305.
gnomAD v4.1: 3,009 of 1,553,976 alleles (0.19%); highest among the groups gnomAD compares: Non-Finnish European, 0.24%; 6 homozygotes.

Submissions (2):

Labcorp Genetics (formerly Invitae), Labcorp
Classification: Likely benign. Last evaluated: 2018-06-23. Review status: criteria provided, single submitter. Criteria: Invitae Variant Classification Sherloc (09022015). Collection method: clinical testing. Allele origin: germline.

PreventionGenetics, part of Exact Sciences
Classification: Likely benign for CELF6-related condition. Last evaluated: 2023-02-27. Review status: no assertion criteria provided. Collection method: clinical testing. Allele origin: germline. Not counted in ClinVar's aggregate classification.
Comment: This variant is classified as likely benign based on ACMG/AMP sequence variant interpretation guidelines (Richards et al. 2015 PMID: 25741868, with internal and published modifications).